The following is an entry in ClinVar:

ClinVar aggregate classification (germline): Uncertain significance (1 of 4 stars; one submission).

gnomAD v4.1: 1 of 1,612,772 alleles (0.000062%); highest among the groups gnomAD compares: Non-Finnish European, 0.000085%; no homozygotes.

Submission:

GeneDx
Classification: Uncertain significance. Last evaluated: 2024-11-22. Review status: criteria provided, single submitter. Criteria: GeneDx Variant Classification Process June 2021. Collection method: clinical testing. Allele origin: germline.
Comment: Not observed at a significant frequency in large population cohorts (gnomAD); In silico analysis, which includes protein predictors and evolutionary conservation, supports a deleterious effect; Has not been previously published as pathogenic or benign to our knowledge

NM_206933.4(USH2A):c.11585C>T (p.Thr3862Ile)

Gene: USH2A (usherin; minus strand). Cytogenetic location: 1q41.
Variant type: single nucleotide variant.
Coding change: c.11585C>T on transcript NM_206933.4 (MANE Select); coding-DNA position 11585, C replaced by T.
Protein change: p.Thr3862Ile; replaces threonine 3862 with isoleucine.
Molecular consequence: missense variant.
Genome position (GRCh38, 1-based): chr1:215,741,501, G>A on the plus strand (C>T on the coding strand, the complement: USH2A is on the minus strand). VCF-style: chr1-215741501-G-A. GRCh37 (hg19) VCF-style: chr1-215914843-G-A.
Other names: short protein forms T3862I.
Identifiers: ClinVar variation 3381373 (VCV003381373.2).
Genomic context (GRCh38, chr1:215,741,501, plus strand): 5'-CAAGCTGACCCCAGTGCCTTAAGAACAGGAGAATTAAGATCCATTGGGGCTGCTTCAGGT[G>A]TTTTGACAAACATCCTACTGCTAACTCCACAACTTCCTTGAAAAAAAAAAAATTGAGGTC-3'
Protein context (NP_996816.3, residues 3852-3872): CGVSSRMFVK[Thr3862Ile]PEAAPMDLNS